The following is an entry in ClinVar:

ClinVar aggregate classification (germline): Conflicting classifications of pathogenicity. Review status: criteria provided, conflicting classifications (1 of 4 stars). 3 submissions from 3 submitters: Uncertain significance (2); Likely benign (1). Last evaluated 2023-03-29.

Conditions:
Hereditary cancer-predisposing syndrome. Also called: Tumor predisposition; Hereditary Cancer Syndrome; Neoplastic Syndromes, Hereditary; Hereditary neoplastic syndrome. Identifiers: Orphanet 140162, MedGen C0027672, MeSH D009386, MONDO:0015356.
Hereditary breast ovarian cancer syndrome. Also called: Hereditary breast and ovarian cancer syndrome; Hereditary breast and ovarian cancer; Hereditary breast and ovarian cancer syndrome (HBOC); Hereditary breast and/or ovarian cancer syndrome; Breast and ovarian cancer; BRCA1- and BRCA2-Associated Hereditary Breast and Ovarian Cancer. Identifiers: Orphanet 145, MedGen C0677776, MeSH D061325, MONDO:0003582. Disease mechanism: loss of function.

Submissions (3):

Labcorp Genetics (formerly Invitae), Labcorp
Classification: Uncertain significance for Hereditary breast ovarian cancer syndrome. Last evaluated: 2023-03-29. Review status: criteria provided, single submitter. Criteria: Invitae Variant Classification Sherloc (09022015). Collection method: clinical testing. Allele origin: germline.
Comment: This variant is not present in population databases (gnomAD no frequency). In summary, the available evidence is currently insufficient to determine the role of this variant in disease. Therefore, it has been classified as a Variant of Uncertain Significance. Advanced modeling of protein sequence and biophysical properties (such as structural, functional, and spatial information, amino acid conservation, physicochemical variation, residue mobility, and thermodynamic stability) performed at Invitae indicates that this missense variant is not expected to disrupt BRCA1 protein function. ClinVar contains an entry for this variant (Variation ID: 1331978). This variant has not been reported in the literature in individuals affected with BRCA1-related conditions. This sequence change replaces aspartic acid, which is acidic and polar, with valine, which is neutral and non-polar, at codon 853 of the BRCA1 protein (p.Asp853Val).

University of Washington Department of Laboratory Medicine, University of Washington
Classification: Likely benign for Hereditary cancer-predisposing syndrome. Last evaluated: 2023-03-23. Review status: criteria provided, single submitter. Criteria: Dines et al. (Genet Med. 2020). Collection method: curation. Allele origin: germline.
Comment: Missense variant in a coldspot region where missense variants are very unlikely to be pathogenic (PMID:31911673).

BRCA1 coldspot (exon 11 using historical exon numbering). Reclassification based on statistical prior probability

Color Diagnostics, LLC DBA Color Health
Classification: Uncertain significance for Hereditary cancer-predisposing syndrome. Last evaluated: 2021-03-23. Review status: criteria provided, single submitter. Criteria: ACMG Guidelines, 2015. Collection method: clinical testing. Allele origin: germline.
Comment: This missense variant replaces aspartic acid with valine at codon 853 of the BRCA1 protein. Computational prediction suggests that this variant may have deleterious impact on protein structure and function (internally defined REVEL score threshold >= 0.7, PMID: 27666373). To our knowledge, functional studies have not been reported for this variant. This variant has not been reported in individuals affected with hereditary cancer in the literature. This variant has not been identified in the general population by the Genome Aggregation Database (gnomAD). The available evidence is insufficient to determine the role of this variant in disease conclusively. Therefore, this variant is classified as a Variant of Uncertain Significance.

NM_007294.4(BRCA1):c.2558A>T (p.Asp853Val)

Gene: BRCA1 (BRCA1 DNA repair associated; minus strand). Cytogenetic location: 17q21.31.
Variant type: single nucleotide variant.
Coding change: c.2558A>T on transcript NM_007294.4 (MANE Select); coding-DNA position 2558, A replaced by T.
Protein change: p.Asp853Val; replaces aspartic acid 853 with valine.
Molecular consequence: missense variant. On other transcripts: intron variant (137).
Genome position (GRCh38, 1-based): chr17:43,092,973, T>A on the plus strand (A>T on the coding strand, the complement: BRCA1 is on the minus strand). VCF-style: chr17-43092973-T-A. GRCh37 (hg19) VCF-style: chr17-41244990-T-A.
Other names: c.2345A>T, p.Asp782Val (NM_001407571.1, NM_001407853.1, NM_001407894.1 and 9 more transcripts); c.2558A>T, p.Asp853Val (NM_001407581.1, NM_001407582.1, NM_001407583.1 and 30 more transcripts); c.2555A>T, p.Asp852Val (NM_001407587.1, NM_001407590.1, NM_001407591.1 and 22 more transcripts); c.2549A>T, p.Asp850Val (NM_001407646.1, NM_001407647.1); c.2435A>T, p.Asp812Val (NM_001407648.1, NM_001407664.1, NM_001407665.1 and 19 more transcripts); c.2432A>T, p.Asp811Val (NM_001407649.1, NM_001407670.1, NM_001407671.1 and 11 more transcripts); c.2480A>T, p.Asp827Val (NM_001407653.1, NM_001407654.1, NM_001407655.1 and 4 more transcripts); c.2477A>T, p.Asp826Val (NM_001407659.1, NM_001407660.1, NM_001407661.1 and 1 more transcripts); and 41 more; short protein forms D806V, D853V, D741V, D785V, D786V, D826V, D850V, D557V.
Identifiers: ClinVar variation 1331978 (VCV001331978.8), dbSNP rs2154371171, ClinGen allele CA10596874.